The following is an entry in ClinVar:

ClinVar aggregate classification (germline): Likely benign. Review status: criteria provided, multiple submitters, no conflicts (2 of 4 stars). 3 submissions from 3 submitters: Likely benign (2). 1 of the submissions does not count toward it. Last evaluated 2025-06-22.

Conditions:
Familial thoracic aortic aneurysm and aortic dissection (TAAD). Also called: Thoracic aortic aneurysms and dissections. Identifiers: Orphanet 91387, MedGen C4707243, MONDO:0019625.
MED12-Related Disorders. Also called: MED12-related condition; MED12-related disorder. Identifiers: MedGen CN381102.

Allele frequency attached by ClinVar (database versions not stated): gnomAD exomes below 0.00001; TOPMed 0.00001.
gnomAD v4.1: 6 of 1,211,344 alleles (0.0005%); highest among the groups gnomAD compares: South Asian, 0.0018%; no homozygotes.

Submissions (3):

Ambry Genetics
Classification: Likely benign for Familial thoracic aortic aneurysm and aortic dissection. Last evaluated: 2025-06-22. Review status: criteria provided, single submitter. Criteria: Ambry Variant Classification Scheme 2023. Collection method: clinical testing. Allele origin: germline.

Blueprint Genetics
Classification: Likely benign. Last evaluated: 2024-09-02. Review status: criteria provided, single submitter. Criteria: ACMG Guidelines, 2015. Collection method: clinical testing. Allele origin: germline.

PreventionGenetics, part of Exact Sciences
Classification: Likely benign for MED12-related condition. Last evaluated: 2022-07-29. Review status: no assertion criteria provided. Collection method: clinical testing. Allele origin: germline. Not counted in ClinVar's aggregate classification.
Comment: This variant is classified as likely benign based on ACMG/AMP sequence variant interpretation guidelines (Richards et al. 2015 PMID: 25741868, with internal and published modifications).

NM_005120.3(MED12):c.1272C>T (p.Ile424=)

Gene: MED12 (mediator complex subunit 12; plus strand). Cytogenetic location: Xq13.1.
Variant type: single nucleotide variant.
Coding change: c.1272C>T on transcript NM_005120.3 (MANE Select); coding-DNA position 1272, C replaced by T.
Protein change: p.Ile424=; no amino-acid change (isoleucine 424 retained).
Molecular consequence: synonymous variant.
Genome position (GRCh38, 1-based): chrX:71,122,531, C>T. VCF-style: chrX-71122531-C-T. GRCh37 (hg19) VCF-style: chrX-70342381-C-T.
Identifiers: ClinVar variation 3055113 (VCV003055113.4), dbSNP rs2092291972, ClinGen allele CA516818773.